The following is an entry in ClinVar:

NC_000010.10:g.(?_69366605)_(69407286_?)dup

Gene: CTNNA3 (catenin alpha 3; minus strand). Cytogenetic location: 10q21.3.
Variant type: Duplication.
Identifiers: ClinVar variation 661733 (VCV000661733.2).

ClinVar aggregate classification (germline): Uncertain significance (1 of 4 stars; one submission).

Conditions:
Arrhythmogenic right ventricular dysplasia 13. Also called: ARRHYTHMOGENIC RIGHT VENTRICULAR CARDIOMYOPATHY 13; Arrhythmogenic right ventricular dysplasia, familial, 13. Identifiers: MedGen C3810138, MONDO:0000908, OMIM 615616.

Submission:

Labcorp Genetics (formerly Invitae), Labcorp
Classification: Uncertain significance for Arrhythmogenic right ventricular dysplasia, familial, 13. Last evaluated: 2019-12-20. Review status: criteria provided, single submitter. Criteria: Invitae Variant Classification Sherloc (09022015). Collection method: clinical testing. Allele origin: germline.
Comment: This variant results in a copy number gain of the genomic region encompassing exons 2-3 of the CTNNA3 gene. The 5' end of this event is unknown as it extends beyond the assayed region for this gene and therefore may encompass additional genes. The 3' boundary is likely confined to intron 3 of the CTNNA3 gene. As the precise location of this event is unknown, it may be in tandem or it may be located elsewhere in the genome. This variant has not been reported in the literature in individuals with CTNNA3-related disease. Experimental studies and prediction algorithms are not available for this variant, and the functional significance of this non-coding change is currently unknown. In summary, the available evidence is currently insufficient to determine the role of this variant in disease. Therefore, it has been classified as a Variant of Uncertain Significance.